The following is an entry in ClinVar:

ClinVar aggregate classification (germline): Uncertain significance (1 of 4 stars; one submission).

Conditions:
Hereditary breast ovarian cancer syndrome. Also called: Hereditary breast and ovarian cancer; Hereditary breast and ovarian cancer syndrome; BRCA1- and BRCA2-Associated Hereditary Breast and Ovarian Cancer; Hereditary breast and ovarian cancer syndrome (HBOC); Breast and ovarian cancer; Hereditary breast and/or ovarian cancer syndrome. Identifiers: Orphanet 145, MedGen C0677776, MeSH D061325, MONDO:0003582. Disease mechanism: loss of function.

Submission:

Labcorp Genetics (formerly Invitae), Labcorp
Classification: Uncertain significance for Hereditary breast ovarian cancer syndrome. Last evaluated: 2025-10-23. Review status: criteria provided, single submitter. Criteria: Invitae Variant Classification Sherloc (09022015). Collection method: clinical testing. Allele origin: germline.
Comment: This variant occurs in a non-coding region of the BRCA2 gene. It does not change the encoded amino acid sequence of the BRCA2 protein. This variant is not present in population databases (gnomAD no frequency). This variant has not been reported in the literature in individuals affected with BRCA2-related conditions. ClinVar contains an entry for this variant (Variation ID: 1981989). Experimental studies and prediction algorithms are not available or were not evaluated, and the functional significance of this variant is currently unknown. In summary, the available evidence is currently insufficient to determine the role of this variant in disease. Therefore, it has been classified as a Variant of Uncertain Significance.

NM_000059.4(BRCA2):c.-52A>C

Genes: BRCA2 (BRCA2 DNA repair associated; plus strand), LOC106721785 (BRCA2 promoter/silencer region; plus strand). Cytogenetic location: 13q13.1.
Variant type: single nucleotide variant.
Coding change: c.-52A>C on transcript NM_000059.4 (MANE Select); 52 bases upstream of the start codon, A replaced by C.
Molecular consequence: 5 prime UTR variant.
Genome position (GRCh38, 1-based): chr13:32,315,655, A>C. VCF-style: chr13-32315655-A-C. GRCh37 (hg19) VCF-style: chr13-32889792-A-C.
Other names: c.-52A>C (NM_001406719.1, NM_001406720.1, NM_001406721.1); c.-315A>C (NM_001406722.1).
Identifiers: ClinVar variation 1981989 (VCV001981989.4), dbSNP rs206118, ClinGen allele CA658820617.
Genomic context (GRCh38, chr13:32,315,655, plus strand): 5'-GGGGACAGATTTGTGACCGGCGCGGTTTTTGTCAGCTTACTCCGGCCAAAAAAGAACTGC[A>C]CCTCTGGAGCGGGTTAGTGGTGGTGGTAGTGGGTTGGGACGAGCGCGTCTTCCGCAGTCC-3'